The following is an entry in ClinVar:

NM_001374385.1(ATP8B1):c.2721C>T (p.Gly907=)

Genes: ATP8B1 (ATPase phospholipid transporting 8B1; minus strand), ATP8B1-AS1 (ATP8B1 antisense RNA 1; plus strand). Cytogenetic location: 18q21.31.
Variant type: single nucleotide variant.
Coding change: c.2721C>T on transcript NM_001374385.1 (MANE Select); coding-DNA position 2721, C replaced by T.
Protein change: p.Gly907=; no amino-acid change (glycine 907 retained).
Molecular consequence: synonymous variant.
Genome position (GRCh38, 1-based): chr18:57,655,404, G>A on the plus strand (C>T on the coding strand, the complement: ATP8B1 is on the minus strand). VCF-style: chr18-57655404-G-A. GRCh37 (hg19) VCF-style: chr18-55322636-G-A.
Other names: c.2571C>T, p.Gly857= (NM_001374386.1); c.2721C>T, p.Gly907= (NM_005603.6).
Identifiers: ClinVar variation 671637 (VCV000671637.5), dbSNP rs780013917, ClinGen allele CA8974173.

ClinVar aggregate classification (germline): Likely benign. Review status: criteria provided, multiple submitters, no conflicts (2 of 4 stars). 3 submissions from 3 submitters: Likely benign (3). Last evaluated 2026-05-22.

Conditions:
ATP8B1-related disorder. Also called: ATP8B1-related condition; ATP8B1-related disorders.

Allele frequency attached by ClinVar (database versions not stated): gnomAD 0.00001; TOPMed 0.00002; ExAC 0.00003; gnomAD exomes 0.00003 and 0.00006.
gnomAD v4.1: 40 of 1,613,976 alleles (0.0025%); highest among the groups gnomAD compares: South Asian, 0.0099%; no homozygotes.

Submissions (3):

PreventionGenetics, part of Exact Sciences
Classification: Likely benign for ATP8B1-related condition. Last evaluated: 2026-05-22. Review status: criteria provided, single submitter. Criteria: ACMG Guidelines, 2015. Collection method: clinical testing. Allele origin: germline.
Comment: This variant is classified as likely benign based on ACMG/AMP sequence variant interpretation guidelines (Richards et al. 2015 PMID: 25741868, with internal and published modifications).

Labcorp Genetics (formerly Invitae), Labcorp
Classification: Likely benign. Last evaluated: 2024-03-02. Review status: criteria provided, single submitter. Criteria: Invitae Variant Classification Sherloc (09022015). Collection method: clinical testing. Allele origin: germline.

GeneDx
Classification: Likely benign. Last evaluated: 2018-06-11. Review status: criteria provided, single submitter. Criteria: GeneDx Variant Classification (06012015). Collection method: clinical testing. Allele origin: germline. Affected: yes.
Comment: This variant is considered likely benign or benign based on one or more of the following criteria: it is a conservative change, it occurs at a poorly conserved position in the protein, it is predicted to be benign by multiple in silico algorithms, and/or has population frequency not consistent with disease.